The following is an entry in ClinVar:

ClinVar aggregate classification (germline): Uncertain significance (1 of 4 stars; one submission).

Conditions:
Anterior segment dysgenesis. Also called: Ocular anterior segment dysgenesis. Identifiers: Orphanet 88632, MedGen C1862839, MONDO:0019503, HP:0007700.
Congenital primary aphakia. Also called: Anterior segment dysgenesis 2, multiple subtypes; ANTERIOR SEGMENT DYSGENESIS 2. Identifiers: Orphanet 83461, MedGen C1853230, MONDO:0012456, OMIM 610256.

Submission:

Labcorp Genetics (formerly Invitae), Labcorp
Classification: Uncertain significance for Anterior segment dysgenesis; Congenital primary aphakia. Last evaluated: 2025-11-27. Review status: criteria provided, single submitter. Criteria: Invitae Variant Classification Sherloc (09022015). Collection method: clinical testing. Allele origin: germline.
Comment: This sequence change replaces proline, which is neutral and non-polar, with arginine, which is basic and polar, at codon 203 of the FOXE3 protein (p.Pro203Arg). This variant is not present in population databases (gnomAD no frequency). This variant has not been reported in the literature in individuals affected with FOXE3-related conditions. An algorithm developed to predict the effect of missense changes on protein structure and function outputs the following: PolyPhen-2: "Benign". The arginine amino acid residue is found in multiple mammalian species, which suggests that this missense change does not adversely affect protein function. In summary, the available evidence is currently insufficient to determine the role of this variant in disease. Therefore, it has been classified as a Variant of Uncertain Significance.

NM_012186.3(FOXE3):c.608C>G (p.Pro203Arg)

Genes: FOXE3 (forkhead box E3; plus strand), LINC01389 (long independently transcribed non-coding RNA 1389; minus strand). Cytogenetic location: 1p33.
Variant type: single nucleotide variant.
Coding change: c.608C>G on transcript NM_012186.3 (MANE Select); coding-DNA position 608, C replaced by G.
Protein change: p.Pro203Arg; replaces proline 203 with arginine.
Molecular consequence: missense variant.
Genome position (GRCh38, 1-based): chr1:47,416,923, C>G. VCF-style: chr1-47416923-C-G. GRCh37 (hg19) VCF-style: chr1-47882595-C-G.
Other names: short protein forms P203R.
Identifiers: ClinVar variation 4793913 (VCV004793913.1).